The following is an entry in ClinVar:

NM_000400.4(ERCC2):c.469T>G (p.Phe157Val)

Gene: ERCC2 (ERCC excision repair 2, TFIIH core complex helicase subunit; minus strand). Cytogenetic location: 19q13.32.
Variant type: single nucleotide variant.
Coding change: c.469T>G on transcript NM_000400.4 (MANE Select); coding-DNA position 469, T replaced by G.
Protein change: p.Phe157Val; replaces phenylalanine 157 with valine.
Molecular consequence: missense variant.
Genome position (GRCh38, 1-based): chr19:45,365,050, A>C on the plus strand (T>G on the coding strand, the complement: ERCC2 is on the minus strand). VCF-style: chr19-45365050-A-C. GRCh37 (hg19) VCF-style: chr19-45868308-A-C.
Other names: c.397T>G, p.Phe133Val (NM_001130867.2); short protein forms F157V, F133V.
Identifiers: ClinVar variation 1742522 (VCV001742522.2), dbSNP rs1568543165, ClinGen allele CA406375857.

ClinVar aggregate classification (germline): Uncertain significance (1 of 4 stars; one submission).

Conditions:
Inborn genetic diseases. Identifiers: MedGen C0950123, MeSH D030342.

Submission:

Ambry Genetics
Classification: Uncertain significance for Inborn genetic diseases. Last evaluated: 2021-12-11. Review status: criteria provided, single submitter. Criteria: Ambry Variant Classification Scheme 2023. Collection method: clinical testing. Allele origin: germline.
Comment: The p.F157V variant (also known as c.469T>G), located in coding exon 6 of the ERCC2 gene, results from a T to G substitution at nucleotide position 469. The phenylalanine at codon 157 is replaced by valine, an amino acid with highly similar properties. This amino acid position is conserved. In addition, this alteration is predicted to be deleterious by in silico analysis. Since supporting evidence is limited at this time, the clinical significance of this alteration remains unclear.